The following is an entry in ClinVar:

ClinVar aggregate classification (germline): Benign (1 of 4 stars; one submission).

Allele frequency attached by ClinVar (database versions not stated): 1000 Genomes Project 30x 0.65693; 1000 Genomes Project 0.66474; TOPMed 0.69808; gnomAD 0.70802 and 0.70894.
gnomAD v4.1: 107,936 of 152,126 alleles (71%); highest among the groups gnomAD compares: Non-Finnish European, 78%; 38,852 homozygotes.

Submission:

GeneDx
Classification: Benign. Last evaluated: 2018-06-14. Review status: criteria provided, single submitter. Criteria: GeneDx Variant Classification (06012015). Collection method: clinical testing. Allele origin: germline. Affected: yes.
Comment: This variant is considered likely benign or benign based on one or more of the following criteria: it is a conservative change, it occurs at a poorly conserved position in the protein, it is predicted to be benign by multiple in silico algorithms, and/or has population frequency not consistent with disease.

NM_022124.6(CDH23):c.4617+154C>T

Gene: CDH23 (cadherin related 23; plus strand). Cytogenetic location: 10q22.1.
Variant type: single nucleotide variant.
Coding change: c.4617+154C>T on transcript NM_022124.6 (MANE Select); 154 bases into the intron after coding-DNA position 4617, C replaced by T.
Molecular consequence: intron variant.
Genome position (GRCh38, 1-based): chr10:71,741,104, C>T. VCF-style: chr10-71741104-C-T. GRCh37 (hg19) VCF-style: chr10-73500861-C-T.
Identifiers: ClinVar variation 678783 (VCV000678783.1), dbSNP rs1227053, ClinGen allele CA13292418.